The following is an entry in ClinVar:

NM_203447.4(DOCK8):c.3769C>G (p.Gln1257Glu)

Gene: DOCK8 (dedicator of cytokinesis 8; plus strand). Cytogenetic location: 9p24.3.
Variant type: single nucleotide variant.
Coding change: c.3769C>G on transcript NM_203447.4 (MANE Select); coding-DNA position 3769, C replaced by G.
Protein change: p.Gln1257Glu; replaces glutamine 1257 with glutamic acid.
Molecular consequence: missense variant.
Genome position (GRCh38, 1-based): chr9:418,136, C>G. VCF-style: chr9-418136-C-G. GRCh37 (hg19) VCF-style: chr9-418136-C-G.
Other names: c.3469C>G, p.Gln1157Glu (NM_001190458.2); c.3565C>G, p.Gln1189Glu (NM_001193536.2); short protein forms Q1157E, Q1189E, Q1257E.
Identifiers: ClinVar variation 654285 (VCV000654285.11), dbSNP rs1586972902, ClinGen allele CA372762241.
Genomic context (GRCh38, chr9:418,136, plus strand): 5'-ACTCGCAGATACCGCACCAGTGGCTCGGATGAAGAACAAGAAGGAGCCGGTGCCATTAAC[C>G]AGAATGTGGCTCTGGCCATAGCAGGGAATAATTTCAATTTGAAAACAAGTGGAATAGTGC-3'
Protein context (NP_982272.2, residues 1247-1267): EEQEGAGAIN[Gln1257Glu]NVALAIAGNN

ClinVar aggregate classification (germline): Uncertain significance (1 of 4 stars; one submission).

Conditions:
Combined immunodeficiency due to DOCK8 deficiency (HIES2). Also called: HIES autosomal recessive; Hyper-IgE recurrent infection syndrome, autosomal recessive; DOCK8 Deficiency; HYPER-IgE SYNDROME 2, AUTOSOMAL RECESSIVE, WITH RECURRENT INFECTIONS; HYPER-IgE RECURRENT INFECTION SYNDROME 2, AUTOSOMAL RECESSIVE. Identifiers: Orphanet 217390, MedGen C4722305, MONDO:0009478, OMIM 243700.

Submission:

Labcorp Genetics (formerly Invitae), Labcorp
Classification: Uncertain significance for Combined immunodeficiency due to DOCK8 deficiency. Last evaluated: 2019-01-28. Review status: criteria provided, single submitter. Criteria: Invitae Variant Classification Sherloc (09022015). Collection method: clinical testing. Allele origin: germline.
Comment: This variant is not present in population databases (ExAC no frequency). In summary, the available evidence is currently insufficient to determine the role of this variant in disease. Therefore, it has been classified as a Variant of Uncertain Significance. Algorithms developed to predict the effect of missense changes on protein structure and function are either unavailable or do not agree on the potential impact of this missense change (SIFT: "Tolerated"; PolyPhen-2: "Possibly Damaging"; Align-GVGD: "Class C0"). This variant has not been reported in the literature in individuals with DOCK8-related conditions. This sequence change replaces glutamine with glutamic acid at codon 1257 of the DOCK8 protein (p.Gln1257Glu). The glutamine residue is highly conserved and there is a small physicochemical difference between glutamine and glutamic acid.